The following is an entry in ClinVar:

ClinVar aggregate classification (germline): Uncertain significance. Review status: criteria provided, multiple submitters, no conflicts (2 of 4 stars). 3 submissions from 3 submitters: Uncertain significance (3). Last evaluated 2024-11-24.

Conditions:
Hereditary cancer-predisposing syndrome. Also called: Hereditary Cancer Syndrome; Neoplastic Syndromes, Hereditary; Tumor predisposition; Hereditary neoplastic syndrome. Identifiers: Orphanet 140162, MedGen C0027672, MeSH D009386, MONDO:0015356.
Tuberous sclerosis syndrome (TSC). Also called: Tuberous sclerosis; Tuberous Sclerosis Complex. Identifiers: Orphanet 805, MedGen C0041341, MONDO:0001734.
Tuberous sclerosis 2 (TSC2). Identifiers: Orphanet 805, MedGen C1860707, MONDO:0013199, OMIM 613254.

Submissions (3):

Labcorp Genetics (formerly Invitae), Labcorp
Classification: Uncertain significance for Tuberous sclerosis 2. Last evaluated: 2024-11-24. Review status: criteria provided, single submitter. Criteria: Invitae Variant Classification Sherloc (09022015). Collection method: clinical testing. Allele origin: germline.
Comment: This sequence change replaces asparagine, which is neutral and polar, with isoleucine, which is neutral and non-polar, at codon 1522 of the TSC2 protein (p.Asn1522Ile). This variant is not present in population databases (gnomAD no frequency). This variant has not been reported in the literature in individuals affected with TSC2-related conditions. ClinVar contains an entry for this variant (Variation ID: 230388). Invitae Evidence Modeling of protein sequence and biophysical properties (such as structural, functional, and spatial information, amino acid conservation, physicochemical variation, residue mobility, and thermodynamic stability) indicates that this missense variant is not expected to disrupt TSC2 protein function with a negative predictive value of 95%. In summary, the available evidence is currently insufficient to determine the role of this variant in disease. Therefore, it has been classified as a Variant of Uncertain Significance.

Ambry Genetics
Classification: Uncertain significance for Hereditary cancer-predisposing syndrome. Last evaluated: 2024-10-02. Review status: criteria provided, single submitter. Criteria: Ambry Variant Classification Scheme 2023. Collection method: clinical testing. Allele origin: germline.
Comment: The p.N1522I variant (also known as c.4565A>T), located in coding exon 34 of the TSC2 gene, results from an A to T substitution at nucleotide position 4565. The asparagine at codon 1522 is replaced by isoleucine, an amino acid with dissimilar properties. This amino acid position is well conserved in available vertebrate species. In addition, the in silico prediction for this alteration is inconclusive. Based on the available evidence, the clinical significance of this variant remains unclear.

All of Us Research Program, National Institutes of Health
Classification: Uncertain significance for Tuberous sclerosis syndrome. Last evaluated: 2023-12-01. Review status: criteria provided, single submitter. Criteria: ACMG Guidelines, 2015. Collection method: clinical testing. Allele origin: germline. Inheritance: Autosomal dominant inheritance. Observed: 1 variant allele, 1 heterozygote.
Comment: This study involves interpretation of variants in research participants for the purpose of population health screening. Participant phenotype was not available at the time of variant classification. Additional details can be found in publication PMID: 35346344, PMCID: PMC8962531

NM_000548.5(TSC2):c.4565A>T (p.Asn1522Ile)

Gene: TSC2 (TSC complex subunit 2; plus strand). Cytogenetic location: 16p13.3.
Variant type: single nucleotide variant.
Coding change: c.4565A>T on transcript NM_000548.5 (MANE Select); coding-DNA position 4565, A replaced by T.
Protein change: p.Asn1522Ile; replaces asparagine 1522 with isoleucine.
Molecular consequence: missense variant.
Genome position (GRCh38, 1-based): chr16:2,085,022, A>T. VCF-style: chr16-2085022-A-T. GRCh37 (hg19) VCF-style: chr16-2135023-A-T.
Other names: c.4364A>T, p.Asn1455Ile (NM_001077183.3); c.4496A>T, p.Asn1499Ile (NM_001114382.3); c.4256A>T, p.Asn1419Ile (NM_001318827.2); c.4220A>T, p.Asn1407Ile (NM_001318829.2); c.3833A>T, p.Asn1278Ile (NM_001318831.2); c.4397A>T, p.Asn1466Ile (NM_001318832.2); c.4367A>T, p.Asn1456Ile (NM_001363528.2); c.4433A>T, p.Asn1478Ile (NM_001370404.1); and 1 more; short protein forms N1522I, N1407I, N1456I, N1466I, N1479I, N1278I, N1419I, N1478I.
Identifiers: ClinVar variation 230388 (VCV000230388.14), dbSNP rs144062721, ClinGen allele CA10579902.
Genomic context (GRCh38, chr16:2,085,022, plus strand): 5'-TGCAGCTCTACCATTCCCCCTTCTTTGGCGACGAGTCAAACAAGCCAATCCTGCTGCCCA[A>T]TGAGGTAGGCGTGGCCTCCCTCTCCTGCATCCGCTGGAGCTGTGTGGCTCGGGTGAATGG-3'
Protein context (NP_000539.2, residues 1512-1532): DESNKPILLP[Asn1522Ile]ESQSFERSVQ